The following is an entry in ClinVar:

ClinVar aggregate classification (germline): Uncertain significance (0 of 4 stars; one submission).

Conditions:
TECTA-related disorder. Also called: TECTA-related condition.

Allele frequency attached by ClinVar (database versions not stated): gnomAD exomes below 0.00001.
gnomAD v4.1: 1 of 1,614,104 alleles (0.000062%); highest among the groups gnomAD compares: Non-Finnish European, 0.000085%; no homozygotes.

Submission:

PreventionGenetics, part of Exact Sciences
Classification: Uncertain significance for TECTA-related condition. Last evaluated: 2023-10-18. Review status: no assertion criteria provided. Collection method: clinical testing. Allele origin: germline.
Comment: The TECTA c.4274G>A variant is predicted to result in the amino acid substitution p.Cys1425Tyr. To our knowledge, this variant has not been reported in the literature. This variant is reported in 0.00088% of alleles in individuals of European (Non-Finnish) descent in gnomAD. At this time, the clinical significance of this variant is uncertain due to the absence of conclusive functional and genetic evidence.

NM_005422.4(TECTA):c.4274G>A (p.Cys1425Tyr)

Genes: TBCEL-TECTA (TBCEL-TECTA readthrough; plus strand), TECTA (tectorin alpha; plus strand). Cytogenetic location: 11q23.3.
Variant type: single nucleotide variant.
Coding change: c.4274G>A on transcript NM_005422.4 (MANE Select); coding-DNA position 4274, G replaced by A.
Protein change: p.Cys1425Tyr; replaces cysteine 1425 with tyrosine.
Molecular consequence: missense variant.
Genome position (GRCh38, 1-based): chr11:121,153,049, G>A. VCF-style: chr11-121153049-G-A. GRCh37 (hg19) VCF-style: chr11-121023758-G-A.
Other names: c.5231G>A, p.Cys1744Tyr (NM_001378761.1); short protein forms C1425Y, C1744Y.
Identifiers: ClinVar variation 3051824 (VCV003051824.2), dbSNP rs1301150240, ClinGen allele CA383025535.
Genomic context (GRCh38, chr11:121,153,049, plus strand): 5'-GCTGTCACTGCGACGCTGGCTACGTCCTCAACGGCAAGAGCTGCATCCTGCCCCACAGCT[G>A]CGGCTGCTACTCCGATGGCAAATATTACGAGGTATGGGAGGCCAGCCCGGCCTTTTCCTC-3'
Protein context (NP_005413.2, residues 1415-1435): NGKSCILPHS[Cys1425Tyr]GCYSDGKYYE